The following is an entry in ClinVar:

NM_021922.3(FANCE):c.685C>T (p.His229Tyr)

Gene: FANCE (FA complementation group E; plus strand). Cytogenetic location: 6p21.31.
Variant type: single nucleotide variant.
Coding change: c.685C>T on transcript NM_021922.3 (MANE Select); coding-DNA position 685, C replaced by T.
Protein change: p.His229Tyr; replaces histidine 229 with tyrosine.
Molecular consequence: missense variant.
Genome position (GRCh38, 1-based): chr6:35,456,183, C>T. VCF-style: chr6-35456183-C-T. GRCh37 (hg19) VCF-style: chr6-35423960-C-T.
Other names: short protein forms H229Y.
Identifiers: ClinVar variation 1044189 (VCV001044189.6), dbSNP rs142737128, ClinGen allele CA3771464.

ClinVar aggregate classification (germline): Uncertain significance (1 of 4 stars; one submission).

Conditions:
Fanconi anemia complementation group E (FANCE). Also called: FANCE-Related Fanconi Anemia. Identifiers: Orphanet 84, MedGen C3160739, MONDO:0010953, OMIM 600901.

Allele frequency attached by ClinVar (database versions not stated): gnomAD 0.00001; gnomAD exomes 0.00001; ExAC 0.00002; ESP Exome Variant Server 0.00008.
gnomAD v4.1: 2 of 1,614,142 alleles (0.00012%); highest among the groups gnomAD compares: African/African-American, 0.0027%; no homozygotes.

Submission:

Labcorp Genetics (formerly Invitae), Labcorp
Classification: Uncertain significance for Fanconi anemia complementation group E. Last evaluated: 2021-08-24. Review status: criteria provided, single submitter. Criteria: Invitae Variant Classification Sherloc (09022015). Collection method: clinical testing. Allele origin: germline.
Comment: This sequence change replaces histidine with tyrosine at codon 229 of the FANCE protein (p.His229Tyr). The histidine residue is weakly conserved and there is a moderate physicochemical difference between histidine and tyrosine. This variant is present in population databases (rs142737128, ExAC 0.02%). This variant has not been reported in the literature in individuals affected with FANCE-related conditions. Algorithms developed to predict the effect of missense changes on protein structure and function (SIFT, PolyPhen-2, Align-GVGD) all suggest that this variant is likely to be tolerated. In summary, the available evidence is currently insufficient to determine the role of this variant in disease. Therefore, it has been classified as a Variant of Uncertain Significance.